The following is an entry in ClinVar:

NM_001206979.2(NR1H4):c.80-5155C>G

Gene: NR1H4 (nuclear receptor subfamily 1 group H member 4; plus strand). Cytogenetic location: 12q23.1.
Variant type: single nucleotide variant.
Coding change: c.80-5155C>G on transcript NM_001206979.2 (MANE Select); 5155 bases into the intron before coding-DNA position 80, C replaced by G.
Molecular consequence: intron variant.
Genome position (GRCh38, 1-based): chr12:100,505,623, C>G. VCF-style: chr12-100505623-C-G. GRCh37 (hg19) VCF-style: chr12-100899401-C-G.
Other names: c.80-5155C>G (NM_001206977.2, NM_005123.4, NM_001206978.2); c.109+2127C>G (NM_001206993.2, NM_001206992.2).
Identifiers: ClinVar variation 1298553 (VCV001298553.35), dbSNP rs572515785, ClinGen allele CA6739168.

ClinVar aggregate classification (germline): Likely benign (1 of 4 stars; one submission).

Allele frequency attached by ClinVar (database versions not stated): 1000 Genomes Project 0.00060; 1000 Genomes Project 30x 0.00062; ExAC 0.00084; gnomAD exomes 0.00145.
gnomAD v4.1: 1,369 of 701,566 alleles (0.2%); highest among the groups gnomAD compares: Non-Finnish European, 0.29%; 3 homozygotes.

Submission:

CeGaT Center for Human Genetics Tuebingen
Classification: Likely benign. Last evaluated: 2025-06-01. Review status: criteria provided, single submitter. Criteria: CeGaT Center For Human Genetics Tuebingen Variant Classification Criteria Version 2. Collection method: clinical testing. Allele origin: germline. Affected: yes. Observed: 2 variant alleles.
Comment: NR1H4: BP4